The following is an entry in ClinVar:

NM_000117.3(EMD):c.399+2T>C

Gene: EMD (emerin; plus strand). Cytogenetic location: Xq28.
Variant type: single nucleotide variant.
Coding change: c.399+2T>C on transcript NM_000117.3 (MANE Select); the canonical splice donor site of the intron after coding-DNA position 399, T replaced by C.
Molecular consequence: splice donor variant.
Genome position (GRCh38, 1-based): chrX:154,380,369, T>C. VCF-style: chrX-154380369-T-C. GRCh37 (hg19) VCF-style: chrX-153608729-T-C.
Other names: c.399+2T>C (NM_000117.2).
Identifiers: ClinVar variation 2833998 (VCV002833998.4), dbSNP rs2522789026, ClinGen allele CA415258083.
Genomic context (GRCh38, chrX:154,380,369, plus strand): 5'-CCAGGGCTGTCCGCCAGTCAGTGACTTCATTCCCAGATGCTGACGCTTTCCATCACCAGG[T>C]GAGCTGGCTGGCAGGCGTCCTGTACTTGGGTACAACCTAGGGGATCGCGGCTGTGTTTGG-3'

ClinVar aggregate classification (germline): Pathogenic. Review status: criteria provided, multiple submitters, no conflicts (2 of 4 stars). 2 submissions from 2 submitters: Pathogenic (2). Last evaluated 2025-06-19.

Conditions:
X-linked Emery-Dreifuss muscular dystrophy. Also called: Muscular dystrophy, tardive Emery-Dreifuss type, with contractures. Identifiers: Orphanet 261, Orphanet 98863, MedGen C0751337, MONDO:0010680.
Emery-Dreifuss muscular dystrophy (EDMD). Also called: Scapuloperoneal syndrome, X-linked (formerly); Humeroperoneal neuromuscular disease, (formerly). Identifiers: Orphanet 261, MedGen C0410189, MONDO:0016830.

Submissions (2):

Natera, Inc.
Classification: Pathogenic for Emery-Dreifuss muscular dystrophy. Last evaluated: 2025-06-19. Review status: criteria provided, single submitter. Criteria: Natera Variant Classification Schema (03/2026). Collection method: clinical testing. Allele origin: germline.
Comment: The c.399+2T>C variant in EMD is a canonical splice donor site variant predicted to affect pre-mRNA splicing, which may result in an abnormal transcript and altered protein product. This variant is expected to result in nonsense mediated decay, truncation, or a dysfunctional protein product. This variant is rare in the general population with a frequency below the threshold expected for the associated phenotype(s). Another variant at this same site results in an alteration predicted to cause a similar molecular effect has been observed in individual(s) with the associated phenotype. Given the available evidence, this variant is classified as Pathogenic.

Labcorp Genetics (formerly Invitae), Labcorp
Classification: Pathogenic for X-linked Emery-Dreifuss muscular dystrophy. Last evaluated: 2023-02-02. Review status: criteria provided, single submitter. Criteria: Invitae Variant Classification Sherloc (09022015). Collection method: clinical testing. Allele origin: germline.
Comment: For these reasons, this variant has been classified as Pathogenic. Algorithms developed to predict the effect of sequence changes on RNA splicing suggest that this variant may create or strengthen a splice site. Disruption of this splice site has been observed in individual(s) with Emery-Dreifuss muscular dystrophy (PMID: 9536090). This variant is not present in population databases (gnomAD no frequency). This sequence change affects a donor splice site in intron 4 of the EMD gene. It is expected to disrupt RNA splicing. Variants that disrupt the donor or acceptor splice site typically lead to a loss of protein function (PMID: 16199547), and loss-of-function variants in EMD are known to be pathogenic (PMID: 24365856).

Literature cited by the submitters: PubMed 9536090 (cited by Labcorp Genetics (formerly Invitae), Labcorp); PubMed 16199547 (cited by Labcorp Genetics (formerly Invitae), Labcorp); PubMed 24365856 (cited by Labcorp Genetics (formerly Invitae), Labcorp).